The following is an entry in ClinVar:

NM_024664.4(PPCS):c.272C>T (p.Pro91Leu)

Genes: CCDC30 (coiled-coil domain containing 30; plus strand), PPCS (phosphopantothenoylcysteine synthetase; plus strand), LOC129930344 (ATAC-STARR-seq lymphoblastoid active region 894; plus strand). Cytogenetic location: 1p34.2.
Variant type: single nucleotide variant.
Coding change: c.272C>T on transcript NM_024664.4 (MANE Select); coding-DNA position 272, C replaced by T.
Protein change: p.Pro91Leu; replaces proline 91 with leucine.
Molecular consequence: missense variant. On other transcripts: 5 prime UTR variant (1), intron variant (6).
Genome position (GRCh38, 1-based): chr1:42,456,837, C>T. VCF-style: chr1-42456837-C-T. GRCh37 (hg19) VCF-style: chr1-42922508-C-T.
Other names: c.-421C>T (NM_001287510.2); c.272C>T, p.Pro91Leu (NM_001287511.2); c.-984+338C>T (NM_001355226.2); c.-328+338C>T (NM_001287507.1); c.-12+338C>T (NM_001287506.1); c.-12+113C>T (NM_001287508.2); c.-12+209C>T (NM_001077447.3); c.-12+254C>T (NM_001287509.2); short protein forms P91L.
Identifiers: ClinVar variation 1962259 (VCV001962259.5), dbSNP rs267598605, ClinGen allele CA21217004.

ClinVar aggregate classification (germline): Uncertain significance (1 of 4 stars; one submission).

Allele frequency attached by ClinVar (database versions not stated): gnomAD 0.00001; gnomAD exomes below 0.00001.
gnomAD v4.1: 5 of 1,613,560 alleles (0.00031%); highest among the groups gnomAD compares: Middle Eastern, 0.033%; no homozygotes.

Submission:

Labcorp Genetics (formerly Invitae), Labcorp
Classification: Uncertain significance. Last evaluated: 2022-06-22. Review status: criteria provided, single submitter. Criteria: Invitae Variant Classification Sherloc (09022015). Collection method: clinical testing. Allele origin: germline.
Comment: In summary, the available evidence is currently insufficient to determine the role of this variant in disease. Therefore, it has been classified as a Variant of Uncertain Significance. Algorithms developed to predict the effect of missense changes on protein structure and function are either unavailable or do not agree on the potential impact of this missense change (SIFT: "Deleterious"; PolyPhen-2: "Probably Damaging"; Align-GVGD: "Class C0"). This variant has not been reported in the literature in individuals affected with PPCS-related conditions. This variant is present in population databases (rs267598605, gnomAD 0.0009%). This sequence change replaces proline, which is neutral and non-polar, with leucine, which is neutral and non-polar, at codon 91 of the PPCS protein (p.Pro91Leu).